The following is an entry in ClinVar:

NM_012424.6(RPS6KC1):c.2021A>C (p.Lys674Thr)

Gene: RPS6KC1 (ribosomal protein S6 kinase C1; plus strand). Cytogenetic location: 1q32.3.
Variant type: single nucleotide variant.
Coding change: c.2021A>C on transcript NM_012424.6 (MANE Select); coding-DNA position 2021, A replaced by C.
Protein change: p.Lys674Thr; replaces lysine 674 with threonine.
Molecular consequence: missense variant. On other transcripts: non-coding transcript variant (4).
Genome position (GRCh38, 1-based): chr1:213,241,497, A>C. VCF-style: chr1-213241497-A-C. GRCh37 (hg19) VCF-style: chr1-213414840-A-C.
Other names: c.1985A>C, p.Lys662Thr (NM_001136138.4); c.1385A>C, p.Lys462Thr (NM_001287218.3, NM_001287219.3, NM_001349654.2); c.626A>C, p.Lys209Thr (NM_001287220.3, NM_001349663.2, NM_001349664.2 and 8 more transcripts); c.1478A>C, p.Lys493Thr (NM_001287221.3, NM_001349648.2, NM_001349649.2 and 4 more transcripts); c.1928A>C, p.Lys643Thr (NM_001349646.2); c.1658A>C, p.Lys553Thr (NM_001349647.2); c.1130A>C, p.Lys377Thr (NM_001349657.2, NM_001349658.2); c.965A>C, p.Lys322Thr (NM_001349659.2, NM_001349660.2, NM_001349661.2 and 1 more transcripts); short protein forms K322T, K377T, K209T, K462T, K553T, K662T, K674T, K643T.
Identifiers: ClinVar variation 2315786 (VCV002315786.4), dbSNP rs143609307, ClinGen allele CA1387552.

ClinVar aggregate classification (germline): Uncertain significance. Review status: criteria provided, multiple submitters, no conflicts (2 of 4 stars). 2 submissions from 2 submitters: Uncertain significance (2). Last evaluated 2025-08-14.

Allele frequency attached by ClinVar (database versions not stated): gnomAD 0.00007; TOPMed 0.00007; ESP Exome Variant Server 0.00008.

Submissions (2):

Ambry Genetics
Classification: Uncertain significance. Last evaluated: 2025-08-14. Review status: criteria provided, single submitter. Criteria: Ambry Variant Classification Scheme 2023. Collection method: clinical testing. Allele origin: germline.

Labcorp Genetics (formerly Invitae), Labcorp
Classification: Uncertain significance. Last evaluated: 2025-06-17. Review status: criteria provided, single submitter. Criteria: Invitae Variant Classification Sherloc (09022015). Collection method: clinical testing. Allele origin: germline.
Comment: This sequence change replaces lysine, which is basic and polar, with threonine, which is neutral and polar, at codon 674 of the RPS6KC1 protein (p.Lys674Thr). This variant is present in population databases (rs143609307, gnomAD 0.02%). This variant has not been reported in the literature in individuals affected with RPS6KC1-related conditions. ClinVar contains an entry for this variant (Variation ID: 2315786). An algorithm developed to predict the effect of missense changes on protein structure and function (PolyPhen-2) suggests that this variant is likely to be disruptive. Algorithms developed to predict the effect of sequence changes on RNA splicing suggest that this variant may create or strengthen a splice site. In summary, the available evidence is currently insufficient to determine the role of this variant in disease. Therefore, it has been classified as a Variant of Uncertain Significance.